The following is an entry in ClinVar:

NM_001135998.3(NDUFB11):c.146C>G (p.Pro49Arg)

Gene: NDUFB11 (NADH:ubiquinone oxidoreductase subunit B11; minus strand). Cytogenetic location: Xp11.3.
Variant type: single nucleotide variant.
Coding change: c.146C>G on transcript NM_001135998.3 (MANE Select); coding-DNA position 146, C replaced by G.
Protein change: p.Pro49Arg; replaces proline 49 with arginine.
Molecular consequence: missense variant.
Genome position (GRCh38, 1-based): chrX:47,144,534, G>C on the plus strand (C>G on the coding strand, the complement: NDUFB11 is on the minus strand). VCF-style: chrX-47144534-G-C. GRCh37 (hg19) VCF-style: chrX-47003933-G-C.
Other names: c.146C>G, p.Pro49Arg (NM_019056.7); short protein forms P49R.
Identifiers: ClinVar variation 3900479 (VCV003900479.1).

ClinVar aggregate classification (germline): Uncertain significance (1 of 4 stars; one submission).

Submission:

GeneDx
Classification: Uncertain significance. Last evaluated: 2024-11-20. Review status: criteria provided, single submitter. Criteria: GeneDx Variant Classification Process June 2021. Collection method: clinical testing. Allele origin: germline. Affected: yes.
Comment: Not observed at significant frequency in large population cohorts (gnomAD); In silico analysis indicates that this missense variant does not alter protein structure/function; Has not been previously published as pathogenic or benign to our knowledge